The following is an entry in ClinVar:

NM_030665.4(RAI1):c.4621A>T (p.Thr1541Ser)

Gene: RAI1 (retinoic acid induced 1; plus strand). Cytogenetic location: 17p11.2.
Variant type: single nucleotide variant.
Coding change: c.4621A>T on transcript NM_030665.4 (MANE Select); coding-DNA position 4621, A replaced by T.
Protein change: p.Thr1541Ser; replaces threonine 1541 with serine.
Molecular consequence: missense variant.
Genome position (GRCh38, 1-based): chr17:17,797,569, A>T. VCF-style: chr17-17797569-A-T. GRCh37 (hg19) VCF-style: chr17-17700883-A-T.
Other names: short protein forms T1541S.
Identifiers: ClinVar variation 5001971 (VCV005001971.1).
Genomic context (GRCh38, chr17:17,797,569, plus strand): 5'-AGGGCACAGAAACAGCCAGGCCACACCAACTACAGCAGCTATTCCAAGCGGAAGCGCCTC[A>T]CTCGGGGCCGGGCCAAGAACACCACCTCTTCACCCTGTAAGGGGCGTGCCAAGCGACGAC-3'
Protein context (NP_109590.3, residues 1531-1551): YSSYSKRKRL[Thr1541Ser]RGRAKNTTSS

ClinVar aggregate classification (germline): Uncertain significance (1 of 4 stars; one submission).

Conditions:
RAI1-related disorder. Also called: RAI1-related condition.

Submission:

PreventionGenetics, part of Exact Sciences
Classification: Uncertain significance for RAI1-related condition. Last evaluated: 2026-04-10. Review status: criteria provided, single submitter. Criteria: ACMG Guidelines, 2015. Collection method: clinical testing. Allele origin: germline.
Comment: The RAI1 c.4621A>T variant is predicted to result in the amino acid substitution p.Thr1541Ser. To our knowledge, this variant has not been reported in the literature or in a large population database (gnomAD), indicating this variant is rare. At this time, the clinical significance of this variant is uncertain due to the absence of conclusive functional and genetic evidence.